The following is an entry in ClinVar:

NM_006371.5(CRTAP):c.635G>A (p.Arg212Gln)

Gene: CRTAP (cartilage associated protein; plus strand). Cytogenetic location: 3p22.3.
Variant type: single nucleotide variant.
Coding change: c.635G>A on transcript NM_006371.5 (MANE Select); coding-DNA position 635, G replaced by A.
Protein change: p.Arg212Gln; replaces arginine 212 with glutamine.
Molecular consequence: missense variant.
Genome position (GRCh38, 1-based): chr3:33,124,421, G>A. VCF-style: chr3-33124421-G-A. GRCh37 (hg19) VCF-style: chr3-33165913-G-A.
Other names: c.635G>A, p.Arg212Gln (NM_001393363.1, NM_001393364.1); c.485G>A, p.Arg162Gln (NM_001393365.1); short protein forms R212Q, R162Q.
Identifiers: ClinVar variation 3702731 (VCV003702731.1).

ClinVar aggregate classification (germline): Uncertain significance (1 of 4 stars; one submission).

Conditions:
Osteogenesis imperfecta type 7 (OI7). Also called: OI type 7; OI type VII; OSTEOGENESIS IMPERFECTA, TYPE IIB; Osteogenesis imperfecta type 2B; OI type 2B; Osteogenesis imperfecta, perinatal lethal autosomal recessive. Identifiers: MedGen C1853162, MONDO:0012536, OMIM 610682.

gnomAD v4.1: 11 of 1,614,114 alleles (0.00068%); highest among the groups gnomAD compares: Admixed American, 0.0067%; no homozygotes.

Submission:

Labcorp Genetics (formerly Invitae), Labcorp
Classification: Uncertain significance for Osteogenesis imperfecta type 7. Last evaluated: 2024-06-26. Review status: criteria provided, single submitter. Criteria: Invitae Variant Classification Sherloc (09022015). Collection method: clinical testing. Allele origin: germline.
Comment: This sequence change replaces arginine, which is basic and polar, with glutamine, which is neutral and polar, at codon 212 of the CRTAP protein (p.Arg212Gln). This variant is present in population databases (rs772985152, gnomAD 0.01%). This variant has not been reported in the literature in individuals affected with CRTAP-related conditions. Advanced modeling of protein sequence and biophysical properties (such as structural, functional, and spatial information, amino acid conservation, physicochemical variation, residue mobility, and thermodynamic stability) performed at Invitae indicates that this missense variant is not expected to disrupt CRTAP protein function with a negative predictive value of 80%. In summary, the available evidence is currently insufficient to determine the role of this variant in disease. Therefore, it has been classified as a Variant of Uncertain Significance.